The following is an entry in ClinVar:

ClinVar aggregate classification (germline): Pathogenic. Review status: reviewed by expert panel (3 of 4 stars). 9 submissions from 9 submitters: Pathogenic (1). 8 of the submissions do not count toward it. Last evaluated 2016-09-08.

Conditions:
Hereditary cancer-predisposing syndrome. Also called: Tumor predisposition; Hereditary Cancer Syndrome; Neoplastic Syndromes, Hereditary; Hereditary neoplastic syndrome. Identifiers: Orphanet 140162, MedGen C0027672, MeSH D009386, MONDO:0015356.
Hereditary breast ovarian cancer syndrome. Also called: Hereditary breast and ovarian cancer; Breast and ovarian cancer; Hereditary breast and/or ovarian cancer syndrome; BRCA1- and BRCA2-Associated Hereditary Breast and Ovarian Cancer; Hereditary breast and ovarian cancer syndrome; Hereditary breast and ovarian cancer syndrome (HBOC). Identifiers: Orphanet 145, MedGen C0677776, MeSH D061325, MONDO:0003582. Disease mechanism: loss of function.
Fanconi anemia complementation group D1. Also called: BRCA2-Related Fanconi Anemia. Identifiers: Orphanet 319462, MedGen C1838457, MONDO:0011584, OMIM 605724.
Breast-ovarian cancer, familial, susceptibility to, 2 (BROVCA2). Also called: BRCA2 Hereditary Breast and Ovarian Cancer. Identifiers: Orphanet 145, MedGen C2675520, MONDO:0012933, OMIM 612555. Disease mechanism: loss of function.
Familial cancer of breast. Also called: BREAST CANCER, FAMILIAL; Hereditary breast cancer; hereditary breast carcinoma. Identifiers: Orphanet 227535, MedGen C0346153, MONDO:0016419, OMIM 114480. Disease mechanism: loss of function.

Submissions (9):

Evidence-based Network for the Interpretation of Germline Mutant Alleles (ENIGMA)
Classification: Pathogenic for Breast-ovarian cancer, familial, susceptibility to, 2. Last evaluated: 2016-09-08. Review status: reviewed by expert panel. Criteria: ENIGMA BRCA1/2 Classification Criteria (2015). Collection method: curation. Allele origin: germline.
Comment: Variant allele predicted to encode a truncated non-functional protein.

Labcorp Genetics (formerly Invitae), Labcorp
Classification: Pathogenic for Hereditary breast ovarian cancer syndrome. Last evaluated: 2024-06-17. Review status: criteria provided, single submitter. Criteria: Invitae Variant Classification Sherloc (09022015). Collection method: clinical testing. Allele origin: germline. Not counted in ClinVar's aggregate classification.
Comment: This sequence change creates a premature translational stop signal (p.Lys3083Glufs*28) in the BRCA2 gene. It is expected to result in an absent or disrupted protein product. Loss-of-function variants in BRCA2 are known to be pathogenic (PMID: 20104584). This variant is not present in population databases (gnomAD no frequency). This variant has not been reported in the literature in individuals affected with BRCA2-related conditions. ClinVar contains an entry for this variant (Variation ID: 254630). For these reasons, this variant has been classified as Pathogenic.

Greenwood Genetic Center Diagnostic Laboratories, Greenwood Genetic Center
Classification: Pathogenic for Fanconi anemia complementation group D1. Last evaluated: 2023-07-27. Review status: criteria provided, single submitter. Criteria: ACMG Guidelines, 2015. Collection method: clinical testing. Allele origin: germline. Not counted in ClinVar's aggregate classification.
Comment: PVS1, PS4, PM2

Baylor Genetics
Classification: Pathogenic for Familial cancer of breast. Last evaluated: 2023-05-30. Review status: criteria provided, single submitter. Criteria: ACMG Guidelines, 2015. Collection method: clinical testing. Allele origin: unknown. Not counted in ClinVar's aggregate classification.

Ambry Genetics
Classification: Pathogenic for Hereditary cancer-predisposing syndrome. Last evaluated: 2022-12-20. Review status: criteria provided, single submitter. Criteria: Ambry Variant Classification Scheme 2023. Collection method: clinical testing. Allele origin: germline. Not counted in ClinVar's aggregate classification.
Comment: The c.9246dupG pathogenic mutation, located in coding exon 23 of the BRCA2 gene, results from a duplication of G at nucleotide position 9246, causing a translational frameshift with a predicted alternate stop codon (p.K3083Efs*28). One study detected this mutation in 5/85 Colombian breast cancer patients who were tested with a multi-gene panel (Cock-Rada AM et al. Fam. Cancer, 2018 Jan;17:23-30). In addition to the clinical data presented in the literature, this alteration is expected to result in loss of function by premature protein truncation or nonsense-mediated mRNA decay. As such, this alteration is interpreted as a disease-causing mutation.

Color Diagnostics, LLC DBA Color Health
Classification: Pathogenic for Hereditary cancer-predisposing syndrome. Last evaluated: 2022-12-05. Review status: criteria provided, single submitter. Criteria: ACMG Guidelines, 2015. Collection method: clinical testing. Allele origin: germline. Not counted in ClinVar's aggregate classification.
Comment: This variant inserts 1 nucleotide in exon 24 of the BRCA2 gene, creating a frameshift and premature translation stop signal. This variant is expected to result in an absent or non-functional protein product. This variant has been reported in five individuals affected with breast cancer (PMID: 28528518). This variant has not been identified in the general population by the Genome Aggregation Database (gnomAD). Loss of BRCA2 function is a known mechanism of disease. Based on the available evidence, this variant is classified as Pathogenic.

Women's Health and Genetics/Laboratory Corporation of America, LabCorp
Classification: Pathogenic for Hereditary breast and ovarian cancer syndrome. Last evaluated: 2019-04-16. Review status: criteria provided, single submitter. Criteria: LabCorp Variant Classification Summary - May 2015. Collection method: clinical testing. Allele origin: germline. Not counted in ClinVar's aggregate classification.
Comment: Variant summary: BRCA2 c.9246dupG (p.Lys3083GlufsX28) results in a premature termination codon, predicted to cause a truncation of the encoded protein or absence of the protein due to nonsense mediated decay, which are commonly known mechanisms for disease. The variant was absent in 248582 control chromosomes (gnomAD). c.9246dupG has been reported in the literature in individuals affected with Hereditary Breast and Ovarian Cancer (Cock-Rada 2018). These data indicate that the variant is likely to be associated with disease. To our knowledge, no experimental evidence demonstrating an impact on protein function has been reported. Four ClinVar submissions from clinical diagnostic laboratories and one expert panel (evaluation after 2014) cite the variant as pathogenic. Based on the evidence outlined above, the variant was classified as pathogenic.

GeneDx
Classification: Pathogenic. Last evaluated: 2015-08-20. Review status: criteria provided, single submitter. Criteria: GeneDx Variant Classification (06012015). Collection method: clinical testing. Allele origin: germline. Affected: yes. Not counted in ClinVar's aggregate classification.
Comment: This duplication of one nucleotide in BRCA2 is denoted c.9246dupG at the cDNA level and p.Lys3083GlufsX28 (K3083EfsX28) at the protein level. The normal sequence, with the base that is duplicated in braces, is TTGT[G]AAAA. The duplication causes a frameshift, which changes a Lysine to a Glutamic Acid at codon 3083, and creates a premature stop codon at position 28 of the new reading frame. Although this variant has not, to our knowledge, been reported in the literature, it is predicted to cause loss of normal protein function through either protein truncation or nonsense-mediated mRNA decay. we consider this variant to be pathogenic.

Department of Pathology and Laboratory Medicine, Sinai Health System
Classification: Pathogenic. Review status: no assertion criteria provided. Collection method: clinical testing. Allele origin: unknown. Affected: yes. Study: The Canadian Open Genetics Repository (COGR). Not counted in ClinVar's aggregate classification.
Comment: The BRCA2 p.Lys3083GlufsX28 variant was not identified in the literature nor was it identified in dbSNP, 1000 Genomes Project, NHLBI Exome Sequencing Project (Exome Variant Server), Exome Aggregation Consortium (ExAC) database, Clinvitae database, LOVD, ARUP Laboratories BRCA Mutations Database, COSMIC, the ClinVar database, GeneInsight COGR database, the BIC database, and BRCA Share. The p.Lys3083GlufsX28 duplication variant is predicted to cause a frameshift, which alters the protein's amino acid sequence beginning at codon 3083 and leads to a premature stop codon 28 codons downstream. This alteration is then predicted to result in a truncated or absent protein and loss of function. Loss of function variants of the BRCA2 gene are an established mechanism of disease in hereditary breast and ovarian cancer and is the type of variant expected to cause the disorder. In summary, based on the above information, this variant meets our laboratoryâ€šÃ„Ã´s criteria to be classified as pathogenic.

Literature cited by the submitters: PubMed 20104584 (cited by Labcorp Genetics (formerly Invitae), Labcorp); PubMed 28528518 (cited by 3 submitters).

NM_000059.4(BRCA2):c.9246dup (p.Lys3083fs)

Gene: BRCA2 (BRCA2 DNA repair associated; plus strand). Cytogenetic location: 13q13.1.
Variant type: Duplication.
Coding change: c.9246dup on transcript NM_000059.4 (MANE Select); coding-DNA position 9246, one base duplicated (G; older notation c.9246dupG).
Protein change: p.Lys3083fs; shifts the reading frame from lysine 3083.
Molecular consequence: frameshift variant.
Genome position (GRCh38, 1-based): chr13:32,380,135, G duplicated. VCF-style (leftmost placement, unchanged base first): chr13-32380134-T-TG. GRCh37 (hg19) VCF-style: chr13-32954271-T-TG.
Other names: c.9246dupG (NM_000059.3); short protein forms K3083fs.
Identifiers: ClinVar variation 254630 (VCV000254630.22), dbSNP rs886038189, ClinGen allele CA10586595.